The following is an entry in ClinVar:

NM_001378120.1(MBD5):c.4322A>G (p.Asn1441Ser)

Gene: MBD5 (methyl-CpG binding domain protein 5; plus strand). Cytogenetic location: 2q23.1.
Variant type: single nucleotide variant.
Coding change: c.4322A>G on transcript NM_001378120.1 (MANE Select); coding-DNA position 4322, A replaced by G.
Protein change: p.Asn1441Ser; replaces asparagine 1441 with serine.
Molecular consequence: missense variant.
Genome position (GRCh38, 1-based): chr2:148,489,954, A>G. VCF-style: chr2-148489954-A-G. GRCh37 (hg19) VCF-style: chr2-149247523-A-G.
Other names: c.3623A>G, p.Asn1208Ser (NM_018328.5); short protein forms N1208S, N1441S.
Identifiers: ClinVar variation 641477 (VCV000641477.9), dbSNP rs1574485128, ClinGen allele CA348728795.
Genomic context (GRCh38, chr2:148,489,954, plus strand): 5'-CAAGTTGCCACACATCCAAAAAACAGTGGGACGGGGAGCAAAGCCCCAGAGGGGAGCGAA[A>G]CAGGTGGAAGTACGAGGAATTTTTAGATCATCCAGGCCATATCCACAGTAGTCCTTGTCA-3'
Protein context (NP_001365049.1, residues 1431-1451): DGEQSPRGER[Asn1441Ser]RWKYEEFLDH

ClinVar aggregate classification (germline): Uncertain significance (1 of 4 stars; one submission).

Conditions:
Intellectual developmental disorder, autosomal dominant 1. Also called: Intellectual disability, autosomal dominant 1; MBD5 Haploinsufficiency. Identifiers: Orphanet 228402, MedGen C1969562, MONDO:0007974, OMIM 156200.

Submission:

Labcorp Genetics (formerly Invitae), Labcorp
Classification: Uncertain significance for Intellectual developmental disorder, autosomal dominant 1. Last evaluated: 2020-09-30. Review status: criteria provided, single submitter. Criteria: Invitae Variant Classification Sherloc (09022015). Collection method: clinical testing. Allele origin: germline.
Comment: This sequence change replaces asparagine with serine at codon 1208 of the MBD5 protein (p.Asn1208Ser). The asparagine residue is highly conserved and there is a small physicochemical difference between asparagine and serine. This variant is not present in population databases (ExAC no frequency). This variant has not been reported in the literature in individuals with MBD5-related conditions. ClinVar contains an entry for this variant (Variation ID: 641477). Algorithms developed to predict the effect of missense changes on protein structure and function (SIFT, PolyPhen-2, Align-GVGD) all suggest that this variant is likely to be disruptive, but these predictions have not been confirmed by published functional studies and their clinical significance is uncertain. In summary, the available evidence is currently insufficient to determine the role of this variant in disease. Therefore, it has been classified as a Variant of Uncertain Significance.